The following is an entry in ClinVar:

ClinVar aggregate classification (germline): Uncertain significance. Review status: criteria provided, multiple submitters, no conflicts (2 of 4 stars). 2 submissions from 2 submitters: Uncertain significance (2). Last evaluated 2025-06-03.

Conditions:
Inborn genetic diseases. Identifiers: MedGen C0950123, MeSH D030342.

Allele frequency attached by ClinVar (database versions not stated): TOPMed 0.00002; gnomAD exomes 0.00004; gnomAD 0.00002.
gnomAD v4.1: 64 of 1,614,022 alleles (0.004%); highest among the groups gnomAD compares: Non-Finnish European, 0.0052%; no homozygotes.

Submissions (2):

Labcorp Genetics (formerly Invitae), Labcorp
Classification: Uncertain significance. Last evaluated: 2025-06-03. Review status: criteria provided, single submitter. Criteria: Invitae Variant Classification Sherloc (09022015). Collection method: clinical testing. Allele origin: germline.
Comment: This sequence change replaces glycine, which is neutral and non-polar, with glutamic acid, which is acidic and polar, at codon 2062 of the TRRAP protein (p.Gly2062Glu). This variant is present in population databases (no rsID available, gnomAD 0.002%). This variant has not been reported in the literature in individuals affected with TRRAP-related conditions. ClinVar contains an entry for this variant (Variation ID: 2529718). Invitae Evidence Modeling of protein sequence and biophysical properties (such as structural, functional, and spatial information, amino acid conservation, physicochemical variation, residue mobility, and thermodynamic stability) indicates that this missense variant is not expected to disrupt TRRAP protein function with a negative predictive value of 80%. In summary, the available evidence is currently insufficient to determine the role of this variant in disease. Therefore, it has been classified as a Variant of Uncertain Significance.

Ambry Genetics
Classification: Uncertain significance for Inborn genetic diseases. Last evaluated: 2023-03-24. Review status: criteria provided, single submitter. Criteria: Ambry Variant Classification Scheme 2023. Collection method: clinical testing. Allele origin: germline.

NM_001375524.1(TRRAP):c.6260G>A (p.Gly2087Glu)

Gene: TRRAP (transformation/transcription domain associated protein; plus strand). Cytogenetic location: 7q22.1.
Variant type: single nucleotide variant.
Coding change: c.6260G>A on transcript NM_001375524.1 (MANE Select); coding-DNA position 6260, G replaced by A.
Protein change: p.Gly2087Glu; replaces glycine 2087 with glutamic acid.
Molecular consequence: missense variant.
Genome position (GRCh38, 1-based): chr7:98,958,009, G>A. VCF-style: chr7-98958009-G-A. GRCh37 (hg19) VCF-style: chr7-98555632-G-A.
Other names: c.6239G>A, p.Gly2080Glu (NM_001244580.2); c.6185G>A, p.Gly2062Glu (NM_003496.4); short protein forms G2080E, G2087E, G2062E.
Identifiers: ClinVar variation 2529718 (VCV002529718.5), dbSNP rs908254361, ClinGen allele CA163093390.
Genomic context (GRCh38, chr7:98,958,009, plus strand): 5'-CTCTTCCTGCCTGAAAGGAGGTCCTTTTCCAGGTCTTTGGGAGGAGCCAGTCGCTACCTG[G>A]AGCAGACTCTCTCCTCGCCAAGCCCATTGACAAGCAGCACACAGACACTGTGGTGAACTT-3'
Protein context (NP_001362453.1, residues 2077-2097): AVFGRSQSLP[Gly2087Glu]ADSLLAKPID